The following is an entry in ClinVar:

ClinVar aggregate classification (germline): Pathogenic (1 of 4 stars; one submission).

Conditions:
Dilated cardiomyopathy 1O (CMD1O). Also called: CARDIOMYOPATHY, DILATED, WITH VENTRICULAR TACHYCARDIA. Identifiers: Orphanet 154, MedGen C1837839, MONDO:0012062, OMIM 608569.

Submission:

Labcorp Genetics (formerly Invitae), Labcorp
Classification: Pathogenic for Dilated cardiomyopathy 1O. Last evaluated: 2024-10-01. Review status: criteria provided, single submitter. Criteria: Invitae Variant Classification Sherloc (09022015). Collection method: clinical testing. Allele origin: germline.
Comment: This sequence change creates a premature translational stop signal (p.Arg808Glyfs*29) in the ABCC9 gene. It is expected to result in an absent or disrupted protein product. Loss-of-function variants in ABCC9 are known to be pathogenic (PMID: 31575858, 38217872). This variant is not present in population databases (gnomAD no frequency). This variant has not been reported in the literature in individuals affected with ABCC9-related conditions. For these reasons, this variant has been classified as Pathogenic.

Literature cited by the submitters: PubMed 31575858; PubMed 38217872.

NM_020297.4(ABCC9):c.2422_2423del (p.Arg808fs)

Gene: ABCC9 (ATP binding cassette subfamily C member 9; minus strand). Cytogenetic location: 12p12.1.
Variant type: Microsatellite.
Coding change: c.2422_2423del on transcript NM_020297.4 (MANE Select); coding-DNA positions 2422 to 2423, 2 bases deleted (AG; older notation c.2422_2423delAG).
Protein change: p.Arg808fs; shifts the reading frame from arginine 808.
Molecular consequence: frameshift variant.
Genome position (GRCh38, 1-based): chr12:21,860,972-21,860,973, CT deleted on the plus strand (AG on the coding strand, the reverse complement: ABCC9 is on the minus strand); deleting any 2 consecutive bases within chr12:21,860,972-21,860,978 gives the same sequence; the c. name uses the placement nearest the transcript's 3' end. VCF-style (leftmost placement, unchanged base first): chr12-21860971-CCT-C. GRCh37 (hg19) VCF-style: chr12-22013905-CCT-C.
Other names: c.2422_2423del, p.Arg808fs (NM_001377273.1, NM_005691.4); c.1555_1556del, p.Arg519fs (NM_001377274.1); short protein forms R519fs, R808fs.
Identifiers: ClinVar variation 1026876 (VCV001026876.7), dbSNP rs1945475029, ClinGen allele CA2021305801.